The following is an entry in ClinVar:

NM_001201543.2(FAM161A):c.1799A>G (p.Glu600Gly)

Gene: FAM161A (FAM161 centrosomal protein A; minus strand). Cytogenetic location: 2p15.
Variant type: single nucleotide variant.
Coding change: c.1799A>G on transcript NM_001201543.2 (MANE Select); coding-DNA position 1799, A replaced by G.
Protein change: p.Glu600Gly; replaces glutamic acid 600 with glycine.
Molecular consequence: missense variant. On other transcripts: non-coding transcript variant (1).
Genome position (GRCh38, 1-based): chr2:61,836,062, T>C on the plus strand (A>G on the coding strand, the complement: FAM161A is on the minus strand). VCF-style: chr2-61836062-T-C. GRCh37 (hg19) VCF-style: chr2-62063197-T-C.
Other names: c.1631A>G, p.Glu544Gly (NM_032180.3); short protein forms E544G, E600G.
Identifiers: ClinVar variation 2082574 (VCV002082574.4), dbSNP rs1229459838, ClinGen allele CA346985723.

ClinVar aggregate classification (germline): Uncertain significance (1 of 4 stars; one submission).

Allele frequency attached by ClinVar (database versions not stated): gnomAD exomes below 0.00001.
gnomAD v4.1: 2 of 1,611,890 alleles (0.00012%); highest among the groups gnomAD compares: Non-Finnish European, 0.00017%; no homozygotes.

Submission:

Labcorp Genetics (formerly Invitae), Labcorp
Classification: Uncertain significance. Last evaluated: 2022-08-21. Review status: criteria provided, single submitter. Criteria: Invitae Variant Classification Sherloc (09022015). Collection method: clinical testing. Allele origin: germline.
Comment: Algorithms developed to predict the effect of missense changes on protein structure and function are either unavailable or do not agree on the potential impact of this missense change (SIFT: "Deleterious"; PolyPhen-2: "Probably Damaging"; Align-GVGD: "Class C0"). In summary, the available evidence is currently insufficient to determine the role of this variant in disease. Therefore, it has been classified as a Variant of Uncertain Significance. This variant has not been reported in the literature in individuals affected with FAM161A-related conditions. This variant is not present in population databases (gnomAD no frequency). This sequence change replaces glutamic acid, which is acidic and polar, with glycine, which is neutral and non-polar, at codon 600 of the FAM161A protein (p.Glu600Gly).